The following is an entry in ClinVar:

NM_001005273.3(CHD3):c.4651T>C (p.Cys1551Arg)

Gene: CHD3 (chromodomain helicase DNA binding protein 3; plus strand). Cytogenetic location: 17p13.1.
Variant type: single nucleotide variant.
Coding change: c.4651T>C on transcript NM_001005273.3 (MANE Select); coding-DNA position 4651, T replaced by C.
Protein change: p.Cys1551Arg; replaces cysteine 1551 with arginine.
Molecular consequence: missense variant.
Genome position (GRCh38, 1-based): chr17:7,907,016, T>C. VCF-style: chr17-7907016-T-C. GRCh37 (hg19) VCF-style: chr17-7810334-T-C.
Other names: c.4828T>C, p.Cys1610Arg (NM_001005271.3); c.4651T>C, p.Cys1551Arg (NM_005852.4); short protein forms C1551R, C1610R.
Identifiers: ClinVar variation 1196813 (VCV001196813.3), dbSNP rs960431387, ClinGen allele CA287497288.

ClinVar aggregate classification (germline): Uncertain significance. Review status: criteria provided, multiple submitters, no conflicts (2 of 4 stars). 2 submissions from 2 submitters: Uncertain significance (2). Last evaluated 2024-03-18.

Conditions:
Inborn genetic diseases. Identifiers: MedGen C0950123, MeSH D030342.

Allele frequency attached by ClinVar (database versions not stated): gnomAD exomes below 0.00001; TOPMed below 0.00001; gnomAD 0.00001.
gnomAD v4.1: 5 of 1,614,042 alleles (0.00031%); highest among the groups gnomAD compares: African/African-American, 0.0013%; no homozygotes.

Submissions (2):

Ambry Genetics
Classification: Uncertain significance for Inborn genetic diseases. Last evaluated: 2024-03-18. Review status: criteria provided, single submitter. Criteria: Ambry Variant Classification Scheme 2023. Collection method: clinical testing. Allele origin: germline.

GeneDx
Classification: Uncertain significance. Last evaluated: 2018-11-29. Review status: criteria provided, single submitter. Criteria: GeneDx Variant Classification Process June 2021. Collection method: clinical testing. Allele origin: germline. Affected: yes.
Comment: Not observed in large population cohorts (Lek et al., 2016); In silico analysis, which includes protein predictors and evolutionary conservation, supports a deleterious effect; Has not been previously published as pathogenic or benign to our knowledge